The following is an entry in ClinVar:

NM_006306.4(SMC1A):c.761del (p.Lys254fs)

Gene: SMC1A (structural maintenance of chromosomes 1A; minus strand). Cytogenetic location: Xp11.22.
Variant type: Deletion.
Coding change: c.761del on transcript NM_006306.4 (MANE Select); coding-DNA position 761, one base deleted (A; older notation c.761delA).
Protein change: p.Lys254fs; shifts the reading frame from lysine 254.
Molecular consequence: frameshift variant.
Genome position (GRCh38, 1-based): chrX:53,412,993, T deleted on the plus strand (A on the coding strand, the reverse complement: SMC1A is on the minus strand); the first of 2 consecutive T bases (chrX:53,412,993-53,412,994); deleting either gives the same sequence. VCF-style (leftmost placement, unchanged base first): chrX-53412992-CT-C. GRCh37 (hg19) VCF-style: chrX-53439942-CT-C.
Other names: c.695del, p.Lys232fs (NM_001281463.1); short protein forms K254fs, K232fs.
Identifiers: ClinVar variation 1446827 (VCV001446827.6), dbSNP rs2146605339, ClinGen allele CA2573159051.

ClinVar aggregate classification (germline): Pathogenic (1 of 4 stars; one submission).

Conditions:
Congenital muscular hypertrophy-cerebral syndrome (CDLS2). Also called: SMC1A-Related Cornelia de Lange Syndrome; Cornelia de Lange syndrome 2. Identifiers: Orphanet 199, MedGen C1802395, MONDO:0010370, OMIM 300590.

Submission:

Labcorp Genetics (formerly Invitae), Labcorp
Classification: Pathogenic for Congenital muscular hypertrophy-cerebral syndrome. Last evaluated: 2022-03-19. Review status: criteria provided, single submitter. Criteria: Invitae Variant Classification Sherloc (09022015). Collection method: clinical testing. Allele origin: germline.
Comment: This sequence change creates a premature translational stop signal (p.Lys254Serfs*10) in the SMC1A gene. It is expected to result in an absent or disrupted protein product. Loss-of-function variants in SMC1A are known to be pathogenic (PMID: 26386245, 27334371, 28166369, 28548707, 31334757). This variant is not present in population databases (gnomAD no frequency). This variant has not been reported in the literature in individuals affected with SMC1A-related conditions. For these reasons, this variant has been classified as Pathogenic.

Literature cited by the submitters: PubMed 26386245; PubMed 27334371; PubMed 28166369; PubMed 28548707; PubMed 31334757.